The following is an entry in ClinVar:

NM_001034853.2(RPGR):c.725C>A (p.Pro242Gln)

Gene: RPGR (retinitis pigmentosa GTPase regulator; minus strand). Cytogenetic location: Xp11.4.
Variant type: single nucleotide variant.
Coding change: c.725C>A on transcript NM_001034853.2 (MANE Select); coding-DNA position 725, C replaced by A.
Protein change: p.Pro242Gln; replaces proline 242 with glutamine.
Molecular consequence: missense variant. On other transcripts: non-coding transcript variant (6).
Genome position (GRCh38, 1-based): chrX:38,310,668, G>T on the plus strand (C>A on the coding strand, the complement: RPGR is on the minus strand). VCF-style: chrX-38310668-G-T. GRCh37 (hg19) VCF-style: chrX-38169921-G-T.
Other names: c.725C>A, p.Pro242Gln (NM_000328.3, NM_001367246.1, NM_001367247.1 and 1 more transcripts); c.722C>A, p.Pro241Gln (NM_001367245.1, NM_001367249.1, NM_001367250.1); c.755C>A, p.Pro252Gln (NM_001367248.1); short protein forms P241Q, P242Q, P252Q.
Identifiers: ClinVar variation 2736336 (VCV002736336.3), dbSNP rs773408909, ClinGen allele CA412742683.

ClinVar aggregate classification (germline): Uncertain significance (1 of 4 stars; one submission).

Conditions:
Primary ciliary dyskinesia. Also called: Ciliary dyskinesia. Identifiers: Orphanet 244, MedGen C0008780, MONDO:0016575, HP:0012265.

Submission:

Labcorp Genetics (formerly Invitae), Labcorp
Classification: Uncertain significance for Primary ciliary dyskinesia. Last evaluated: 2023-07-06. Review status: criteria provided, single submitter. Criteria: Invitae Variant Classification Sherloc (09022015). Collection method: clinical testing. Allele origin: germline.
Comment: This sequence change replaces proline, which is neutral and non-polar, with glutamine, which is neutral and polar, at codon 242 of the RPGR protein (p.Pro242Gln). This variant is not present in population databases (gnomAD no frequency). This variant has not been reported in the literature in individuals affected with RPGR-related conditions. Advanced modeling of protein sequence and biophysical properties (such as structural, functional, and spatial information, amino acid conservation, physicochemical variation, residue mobility, and thermodynamic stability) performed at Invitae indicates that this missense variant is not expected to disrupt RPGR protein function. In summary, the available evidence is currently insufficient to determine the role of this variant in disease. Therefore, it has been classified as a Variant of Uncertain Significance.